The following is an entry in ClinVar:

ClinVar aggregate classification (germline): Uncertain significance. Review status: criteria provided, multiple submitters, no conflicts (2 of 4 stars). 2 submissions from 2 submitters: Uncertain significance (2). Last evaluated 2023-12-15.

Conditions:
Immunodeficiency, common variable, 7. Identifiers: Orphanet 1572, Orphanet 696894, MedGen C3542922, MONDO:0013862, OMIM 614699.
Inborn genetic diseases. Identifiers: MedGen C0950123, MeSH D030342.

Allele frequency attached by ClinVar (database versions not stated): gnomAD 0.00001; TOPMed 0.00001; gnomAD exomes 0.00002.
gnomAD v4.1: 15 of 1,613,722 alleles (0.00093%); highest among the groups gnomAD compares: Admixed American, 0.005%; no homozygotes.

Submissions (2):

Ambry Genetics
Classification: Uncertain significance for Inborn genetic diseases. Last evaluated: 2023-12-15. Review status: criteria provided, single submitter. Criteria: Ambry Variant Classification Scheme 2023. Collection method: clinical testing. Allele origin: germline.

Labcorp Genetics (formerly Invitae), Labcorp
Classification: Uncertain significance for Immunodeficiency, common variable, 7. Last evaluated: 2022-07-19. Review status: criteria provided, single submitter. Criteria: Invitae Variant Classification Sherloc (09022015). Collection method: clinical testing. Allele origin: germline.
Comment: This sequence change replaces asparagine, which is neutral and polar, with serine, which is neutral and polar, at codon 418 of the CR2 protein (p.Asn418Ser). This variant is present in population databases (rs368025734, gnomAD 0.006%). This variant has not been reported in the literature in individuals affected with CR2-related conditions. ClinVar contains an entry for this variant (Variation ID: 845329). Algorithms developed to predict the effect of missense changes on protein structure and function are either unavailable or do not agree on the potential impact of this missense change (SIFT: "Deleterious"; PolyPhen-2: "Probably Damaging"; Align-GVGD: "Class C0"). Algorithms developed to predict the effect of sequence changes on RNA splicing suggest that this variant may create or strengthen a splice site. In summary, the available evidence is currently insufficient to determine the role of this variant in disease. Therefore, it has been classified as a Variant of Uncertain Significance.

NM_001006658.3(CR2):c.1253A>G (p.Asn418Ser)

Gene: CR2 (complement C3d receptor 2; plus strand). Cytogenetic location: 1q32.2.
Variant type: single nucleotide variant.
Coding change: c.1253A>G on transcript NM_001006658.3 (MANE Select); coding-DNA position 1253, A replaced by G.
Protein change: p.Asn418Ser; replaces asparagine 418 with serine.
Molecular consequence: missense variant.
Genome position (GRCh38, 1-based): chr1:207,470,767, A>G. VCF-style: chr1-207470767-A-G. GRCh37 (hg19) VCF-style: chr1-207644112-A-G.
Other names: c.1253A>G, p.Asn418Ser (NM_001877.5); short protein forms N418S.
Identifiers: ClinVar variation 845329 (VCV000845329.7), dbSNP rs368025734, ClinGen allele CA36651211.
Genomic context (GRCh38, chr1:207,470,767, plus strand): 5'-GCAGTTATGTTTTGTTTTTGTCCTTTCATTTAGAATGCCAGGCCCCTCCTAACATCCTCA[A>G]TGGGCAAAAGGAAGATAGACACATGGTCCGCTTTGACCCTGGAACATCTATAAAATATAG-3'
Protein context (NP_001006659.1, residues 408-428): KECQAPPNIL[Asn418Ser]GQKEDRHMVR